The following is an entry in ClinVar:

ClinVar aggregate classification (germline): Uncertain significance (1 of 4 stars; one submission).

Conditions:
Inborn genetic diseases. Identifiers: MedGen C0950123, MeSH D030342.

gnomAD v4.1: 7 of 1,548,722 alleles (0.00045%); highest among the groups gnomAD compares: Non-Finnish European, 0.00061%; no homozygotes.

Submission:

Ambry Genetics
Classification: Uncertain significance for Inborn genetic diseases. Last evaluated: 2018-02-01. Review status: criteria provided, single submitter. Criteria: Ambry Variant Classification Scheme 2023. Collection method: clinical testing. Allele origin: germline.
Comment: The c.730+5G>C intronic variant results from a G to C substitution 5 nucleotides after coding exon 5 in the MAN1B1 gene. This nucleotide position is highly conserved in available vertebrate species. Using the BDGP and ESEfinder splice site prediction tools, this alteration is predicted to weaken the efficiency of the native splice donor site; however, direct evidence is unavailable. Since supporting evidence is limited at this time, the clinical significance of this alteration remains unclear.

NM_016219.5(MAN1B1):c.730+5G>C

Gene: MAN1B1 (mannosidase alpha class 1B member 1; plus strand). Cytogenetic location: 9q34.3.
Variant type: single nucleotide variant.
Coding change: c.730+5G>C on transcript NM_016219.5 (MANE Select); 5 bases into the intron after coding-DNA position 730, G replaced by C.
Molecular consequence: intron variant.
Genome position (GRCh38, 1-based): chr9:137,097,942, G>C. VCF-style: chr9-137097942-G-C. GRCh37 (hg19) VCF-style: chr9-139992394-G-C.
Identifiers: ClinVar variation 1758216 (VCV001758216.2), dbSNP rs1396266266, ClinGen allele CA2579527813.
Genomic context (GRCh38, chr9:137,097,942, plus strand): 5'-AGCAGAAGTGCCCACCAAGCCTCCCCTGCCACCGGCCAGGACACAGGGCACACCAGGTGA[G>C]GCCACACCTGCACCCCTTCCTCCCCGGGCGCTCAGGGGCTGGTGGCTGATGGGTGCAGGC-3'